The following is an entry in ClinVar:

ClinVar aggregate classification (germline): Pathogenic/Likely pathogenic. Review status: criteria provided, multiple submitters, no conflicts (2 of 4 stars). 3 submissions from 3 submitters: Pathogenic (1); Likely pathogenic (2). Last evaluated 2019-10-17.

Conditions:
Maturity-onset diabetes of the young (MODY). Also called: Maturity onset diabetes mellitus in young. Identifiers: Orphanet 552, MedGen C0342276, MONDO:0018911, HP:0004904.

Submissions (3):

Ambry Genetics
Classification: Likely pathogenic for Maturity-onset diabetes of the young. Last evaluated: 2019-10-17. Review status: criteria provided, single submitter. Criteria: Ambry Variant Classification Scheme 2023. Collection method: clinical testing. Allele origin: germline.
Comment: The c.327-3_327-1delCAG intronic variant, located in intron 1 of the HNF1A gene, results from a deletion of 3 nucleotides within intron 1 of the HNF1A gene. Using the BDGP and ESEfinder splice site prediction tools, this alteration is predicted to abolish the native splice acceptor site and possibly lead to the use of a new alternate splice acceptor site; however, direct evidence is unavailable. Alterations that disrupt the canonical splice site are expected to cause aberrant splicing, resulting in an abnormal protein or a transcript that is subject to nonsense-mediated mRNA decay. As such, this alteration is classified as likely pathogenic.

Athena Diagnostics
Classification: Pathogenic. Last evaluated: 2019-06-28. Review status: criteria provided, single submitter. Criteria: Athena Diagnostics Criteria. Collection method: clinical testing. Allele origin: germline.
Comment: The variant disrupts a canonical splice site, and is therefore predicted to result in the loss of a functional protein. Found in at least one symptomatic patient, and not found in general population data.

Clinical Genomics, Uppaluri K&H Personalized Medicine Clinic
Classification: Likely pathogenic for Maturity-onset diabetes of the young. Review status: criteria provided, single submitter. Criteria: K & H Uppaluri Personalized Medicine Clinic Variant Classification & Assertion Criteria_Updated V.1. Collection method: research. Allele origin: unknown. Inheritance: Autosomal dominant inheritance.
Comment: Mutations in HNF1A gene can predispose to MODY3. It is associated with both micro and macrovascular complications of diabetes, especially cardiovascular complications. Associated with glucosuria. May respond well to sulfonylureas. However, more evidence is required to confer the association of this particular variant rs1593054210 with MODY3.

Literature cited by the submitters: PubMed 31517624 (cited by Clinical Genomics, Uppaluri K&H Personalized Medicine Clinic); PubMed 32395877 (cited by Clinical Genomics, Uppaluri K&H Personalized Medicine Clinic); PubMed 35328643 (cited by Clinical Genomics, Uppaluri K&H Personalized Medicine Clinic); PubMed 35673428 (cited by Clinical Genomics, Uppaluri K&H Personalized Medicine Clinic).

NM_000545.8(HNF1A):c.327-3_327-1del

Gene: HNF1A (HNF1 homeobox A; plus strand). Cytogenetic location: 12q24.31.
Variant type: Deletion.
Coding change: c.327-3_327-1del on transcript NM_000545.8 (MANE Select); 3 bases into the intron before coding-DNA position 327 through the canonical splice acceptor site of the intron before coding-DNA position 327, 3 bases deleted (CAG; older notation c.327-3_327-1delCAG).
Molecular consequence: splice acceptor variant.
Genome position (GRCh38, 1-based): chr12:120,988,830-120,988,832, CAG deleted. VCF-style (leftmost placement, unchanged base first): chr12-120988829-CCAG-C. GRCh37 (hg19) VCF-style: chr12-121426632-CCAG-C.
Other names: c.327-3_327-1delCAG (NM_000545.5); c.327-3_327-1del (NM_001306179.2).
Identifiers: ClinVar variation 805635 (VCV000805635.3), dbSNP rs1593054210, ClinGen allele CA915946724.